The following is an entry in ClinVar:

NM_001167.4(XIAP):c.1456A>G (p.Thr486Ala)

Gene: XIAP (X-linked inhibitor of apoptosis; plus strand). Cytogenetic location: Xq25.
Variant type: single nucleotide variant.
Coding change: c.1456A>G on transcript NM_001167.4 (MANE Select); coding-DNA position 1456, A replaced by G.
Protein change: p.Thr486Ala; replaces threonine 486 with alanine.
Molecular consequence: missense variant. On other transcripts: non-coding transcript variant (2).
Genome position (GRCh38, 1-based): chrX:123,907,143, A>G. VCF-style: chrX-123907143-A-G. GRCh37 (hg19) VCF-style: chrX-123040993-A-G.
Other names: c.1456A>G, p.Thr486Ala (NM_001204401.2, NM_001378590.1, NM_001378591.1 and 1 more transcripts); short protein forms T486A.
Identifiers: ClinVar variation 4071738 (VCV004071738.1).

ClinVar aggregate classification (germline): Uncertain significance (1 of 4 stars; one submission).

Submission:

GeneDx
Classification: Uncertain significance. Last evaluated: 2025-01-28. Review status: criteria provided, single submitter. Criteria: GeneDx Variant Classification Process June 2021. Collection method: clinical testing. Allele origin: germline. Affected: yes.
Comment: Not observed at significant frequency in large population cohorts (gnomAD); In silico analysis indicates that this missense variant does not alter protein structure/function; Has not been previously published as pathogenic or benign to our knowledge